The following is an entry in ClinVar:

ClinVar aggregate classification (germline): Benign (1 of 4 stars; one submission).

Conditions:
Frank-Ter Haar syndrome. Also called: BORRONE DERMATOCARDIOSKELETAL SYNDROME; Borrone di Rocco Crovato syndrome; TER HAAR SYNDROME; MELNICK-NEEDLES SYNDROME, AUTOSOMAL RECESSIVE. Identifiers: Orphanet 1266, Orphanet 137834, MedGen C1855305, MONDO:0009579, OMIM 249420.

Allele frequency attached by ClinVar (database versions not stated): gnomAD exomes 0.51027; gnomAD 0.55243 and 0.56118; 1000 Genomes Project 0.56130.
gnomAD v4.1: 504,042 of 974,356 alleles (52%); highest among the groups gnomAD compares: South Asian, 63%; 90,335 homozygotes.

Submissions (6):

Illumina Laboratory Services, Illumina
Classification: Benign for Frank-Ter Haar syndrome. Last evaluated: 2018-01-12. Review status: criteria provided, single submitter. Criteria: ICSL Variant Classification Criteria 13 December 2019. Collection method: clinical testing. Allele origin: germline.
Comment: This variant was observed in the ICSL laboratory as part of a predisposition screen in an ostensibly healthy population. It had not been previously curated by ICSL or reported in the Human Gene Mutation Database (HGMD: prior to June 1st, 2018), and was therefore a candidate for classification through an automated scoring system. Utilizing variant allele frequency, disease prevalence and penetrance estimates, and inheritance mode, an automated score was calculated to assess if this variant is too frequent to cause the disease. Based on the score and internal cut-off values, a variant classified as benign is not then subjected to further curation. The score for this variant resulted in a classification of benign for this disease.

Dr. Peter K. Rogan Lab, Western University
No classification provided (evidence only). Condition: Cervical cancer. Review status: no classification provided. Collection method: in vitro. Allele origin: not applicable. Functional consequence: retained intron. Not counted in ClinVar's aggregate classification.

Dr. Peter K. Rogan Lab, Western University
No classification provided (evidence only). Condition: Sarcoma. Review status: no classification provided. Collection method: in vitro. Allele origin: not applicable. Functional consequence: retained intron. Not counted in ClinVar's aggregate classification.

Dr. Peter K. Rogan Lab, Western University
No classification provided (evidence only). Condition: Sarcoma. Review status: no classification provided. Collection method: in vitro. Allele origin: not applicable. Functional consequence: retained intron. Not counted in ClinVar's aggregate classification.

Dr. Peter K. Rogan Lab, Western University
No classification provided (evidence only). Condition: Sarcoma. Review status: no classification provided. Collection method: in vitro. Allele origin: not applicable. Functional consequence: retained intron. Not counted in ClinVar's aggregate classification.

Dr. Peter K. Rogan Lab, Western University
No classification provided (evidence only). Condition: Thymoma. Review status: no classification provided. Collection method: in vitro. Allele origin: not applicable. Functional consequence: retained intron. Not counted in ClinVar's aggregate classification.

NM_001017995.3(SH3PXD2B):c.*4827T>A

Gene: SH3PXD2B (SH3 and PX domains 2B; minus strand). Cytogenetic location: 5q35.1.
Variant type: single nucleotide variant.
Coding change: c.*4827T>A on transcript NM_001017995.3 (MANE Select); 4827 bases downstream of the stop codon, T replaced by A.
Molecular consequence: 3 prime UTR variant. On other transcripts: intron variant (1).
Genome position (GRCh38, 1-based): chr5:172,333,542, A>T on the plus strand (T>A on the coding strand, the complement: SH3PXD2B is on the minus strand). VCF-style: chr5-172333542-A-T. GRCh37 (hg19) VCF-style: chr5-171760546-A-T.
Other names: NC_000005.9:g.171760546A>T; c.1189-8162T>A (NM_001308175.2).
Identifiers: ClinVar variation 352727 (VCV000352727.6), dbSNP rs3204110, ClinGen allele CA10619950.
Genomic context (GRCh38, chr5:172,333,542, plus strand): 5'-TCCATAGACACTGCATCTTCATGATGAAGCTTGAAACCAGTCAAGCACTTTTTTTATTTA[A>T]AAAAAAAAAAAGGAAAGAAGTCAAATGGTAAAGTATATAGCCTACACATGCTACAGCTAG-3'